The following is an entry in ClinVar:

ClinVar aggregate classification (germline): Uncertain significance (0 of 4 stars; one submission).

Conditions:
SEMA3E-related disorder. Also called: SEMA3E-related condition.

gnomAD v4.1: 1 of 1,610,332 alleles (0.000062%); highest among the groups gnomAD compares: Non-Finnish European, 0.000085%; no homozygotes.

Submission:

PreventionGenetics, part of Exact Sciences
Classification: Uncertain significance for SEMA3E-related condition. Last evaluated: 2024-08-13. Review status: no assertion criteria provided. Collection method: clinical testing. Allele origin: germline.
Comment: The SEMA3E c.1996C>A variant is predicted to result in the amino acid substitution p.Arg666Ser. To our knowledge, this variant has not been reported in the literature or in a large population database, indicating this variant is rare. At this time, the clinical significance of this variant is uncertain due to the absence of conclusive functional and genetic evidence.

NM_012431.3(SEMA3E):c.1996C>A (p.Arg666Ser)

Gene: SEMA3E (semaphorin 3E; minus strand). Cytogenetic location: 7q21.11.
Variant type: single nucleotide variant.
Coding change: c.1996C>A on transcript NM_012431.3 (MANE Select); coding-DNA position 1996, C replaced by A.
Protein change: p.Arg666Ser; replaces arginine 666 with serine.
Molecular consequence: missense variant.
Genome position (GRCh38, 1-based): chr7:83,367,918, G>T on the plus strand (C>A on the coding strand, the complement: SEMA3E is on the minus strand). VCF-style: chr7-83367918-G-T. GRCh37 (hg19) VCF-style: chr7-82997234-G-T.
Other names: c.1816C>A, p.Arg606Ser (NM_001178129.2); short protein forms R606S, R666S.
Identifiers: ClinVar variation 3355441 (VCV003355441.1).
Genomic context (GRCh38, chr7:83,367,918, plus strand): 5'-CGTCCTTGTTAAACATATCCTCGACTTTCTCCTCTTCCACTACCTCCAAGGTGATTTTAC[G>T]GACCGTATGGACAAAGCTATGCTCTACTGTCTGGCAAAAATAGGTCCCAGCATCTGATTT-3'
Protein context (NP_036563.1, residues 656-676): TVEHSFVHTV[Arg666Ser]KITLEVVEEE